The following is an entry in ClinVar:

ClinVar aggregate classification (germline): Likely pathogenic (3 of 4 stars; one submission).

Conditions:
Creatine transporter deficiency (CCDS1). Also called: CEREBRAL CREATINE DEFICIENCY SYNDROME 1; Mental retardation , X-linked with seizures, short stature and midface hypoplasia; Mental retardation , X-linked, with creatine transport deficiency; X-linked creatine transporter deficiency; X-linked creatine deficiency syndrome; SLC6A8-Related Creatine Transporter Deficiency. Identifiers: Orphanet 52503, MedGen C1845862, MONDO:0010305, OMIM 300352.

Submission:

ClinGen Cerebral Creatine Deficiency Syndromes Variant Curation Expert Panel, ClinGen
Classification: Likely pathogenic for Creatine transporter deficiency. Last evaluated: 2023-09-14. Review status: reviewed by expert panel. Criteria: ClinGen_CCDS_ACMG_Specifications_SLC6A8_v1.1. Collection method: curation. Allele origin: germline.
Comment: The NM_005629.4: c.1059_1061del variant in SLC6A8 is predicted to cause a change in the length of the protein (p.(Phe354del)) due to an in-frame deletion of 1 amino acid in a non-repeat region (PM4). This variant is absent from gnomAD v2.1.1, meeting the ClinGen CCDS VCEP’s threshold for PM2_Supporting (<0.00002). The proband had elevated urine creatinine/creatine ratio and MRS showing markedly reduced creatine peak (PMID:18350323), meeting criteria for PP4_Strong. Site directed mutagenesis and transfection with this variant (pEGFP-SLC6A8-Phe354del) demonstrated significantly reduce creatine uptake with physiological creatine concentration of 25 µM (PS3_Supp). In summary, this variant meets the criteria to be classified as Likely Pathogenic for creatine transporter deficiency. SLC6A8-specific ACMG/AMP criteria applied, as specified by the ClinGen Cerebral Creatine Deficiency Syndromes Variant Curation Expert Panel (Specifications Version 1.1.0): PP4_Strong, PM4, PS3_Supporting, PM2_Supporting. (Classification approved by the ClinGen CCDS VCEP on Sept. 14, 2023)

Literature cited by the submitters: PubMed 18350323.

NM_005629.4(SLC6A8):c.1056CTT[1] (p.Phe354del)

Gene: SLC6A8 (solute carrier family 6 member 8; plus strand). Cytogenetic location: Xq28.
Variant type: Microsatellite.
Coding change: c.1056CTT[1] on transcript NM_005629.4 (MANE Select); one copy of the 3-base unit CTT starting at c.1056; the reference has two copies in a row; one copy, 3 bases deleted.
Protein change: p.Phe354del; deletes phenylalanine 354.
Genome position (GRCh38, 1-based): chrX:153,693,504-153,693,506, CTT deleted; deleting any 3 consecutive bases within chrX:153,693,501-153,693,506 gives the same sequence; the position shown is the placement nearest the transcript's 3' end. VCF-style (leftmost placement, unchanged base first): chrX-153693500-GCTT-G. GRCh37 (hg19) VCF-style: chrX-152958955-GCTT-G.
Other names: NM_001142805.2:c.1029_1031del; c.1026CTT[1], p.Phe344del (NM_001142805.2); c.711CTT[1], p.Phe239del (NM_001142806.1); short protein forms F239del, F344del, F354del.
Identifiers: ClinVar variation 2683731 (VCV002683731.1), dbSNP rs1557045140, ClinGen allele CA645287926.
Genomic context (GRCh38, chrX:153,693,500, plus strand): 5'-CTCTGGCCCCTCCACCCCTCAGGGACGCCATCATCCTGGCTCTCATCAACAGTGGGACCA[GCTT>G]CTTTGCTGGCTTCGTGGTCTTCTCCATCCTGGGCTTCATGGCTGCAGAGCAGGGCGTGCA-3'